The following is an entry in ClinVar:

ClinVar aggregate classification (germline): Uncertain significance (1 of 4 stars; one submission).

Allele frequency attached by ClinVar (database versions not stated): gnomAD exomes below 0.00001.
gnomAD v4.1: 2 of 1,614,046 alleles (0.00012%); highest among the groups gnomAD compares: Admixed American, 0.0033%; no homozygotes.

Submission:

Labcorp Genetics (formerly Invitae), Labcorp
Classification: Uncertain significance. Last evaluated: 2023-06-01. Review status: criteria provided, single submitter. Criteria: Invitae Variant Classification Sherloc (09022015). Collection method: clinical testing. Allele origin: germline.
Comment: This sequence change replaces isoleucine, which is neutral and non-polar, with valine, which is neutral and non-polar, at codon 577 of the SCN3A protein (p.Ile577Val). In summary, the available evidence is currently insufficient to determine the role of this variant in disease. Therefore, it has been classified as a Variant of Uncertain Significance. Advanced modeling of protein sequence and biophysical properties (such as structural, functional, and spatial information, amino acid conservation, physicochemical variation, residue mobility, and thermodynamic stability) performed at Invitae indicates that this missense variant is not expected to disrupt SCN3A protein function. This variant has not been reported in the literature in individuals affected with SCN3A-related conditions. This variant is not present in population databases (gnomAD no frequency).

NM_006922.4(SCN3A):c.1729A>G (p.Ile577Val)

Gene: SCN3A (sodium voltage-gated channel alpha subunit 3; minus strand). Cytogenetic location: 2q24.3.
Variant type: single nucleotide variant.
Coding change: c.1729A>G on transcript NM_006922.4 (MANE Select); coding-DNA position 1729, A replaced by G.
Protein change: p.Ile577Val; replaces isoleucine 577 with valine.
Molecular consequence: missense variant.
Genome position (GRCh38, 1-based): chr2:165,140,941, T>C on the plus strand (A>G on the coding strand, the complement: SCN3A is on the minus strand). VCF-style: chr2-165140941-T-C. GRCh37 (hg19) VCF-style: chr2-165997451-T-C.
Other names: c.1729A>G, p.Ile577Val (NM_001081676.2, NM_001081677.2); short protein forms I577V.
Identifiers: ClinVar variation 2780784 (VCV002780784.3), dbSNP rs1687976305, ClinGen allele CA349047048.